The following is an entry in ClinVar:

NM_000503.6(EYA1):c.639+3A>C

Gene: EYA1 (EYA transcriptional coactivator and phosphatase 1; minus strand). Cytogenetic location: 8q13.3.
Variant type: single nucleotide variant.
Coding change: c.639+3A>C on transcript NM_000503.6 (MANE Select); 3 bases into the intron after coding-DNA position 639, A replaced by C.
Molecular consequence: intron variant.
Genome position (GRCh38, 1-based): chr8:71,299,635, T>G on the plus strand (A>C on the coding strand, the complement: EYA1 is on the minus strand). VCF-style: chr8-71299635-T-G. GRCh37 (hg19) VCF-style: chr8-72211870-T-G.
Other names: c.708+3A>C (NM_001370336.1); c.726+3A>C (NM_001370333.1); c.639+3A>C (NM_001370335.1, NM_001370334.1, NM_172058.4); c.711+3A>C (NM_172059.5); c.540+3A>C (NM_001411797.1, NM_172060.4); c.273+3A>C (NM_001288575.2); c.621+3A>C (NM_001288574.2).
Identifiers: ClinVar variation 2671884 (VCV002671884.1), dbSNP rs2536810012, ClinGen allele CA2695201480.

ClinVar aggregate classification (germline): Likely pathogenic (1 of 4 stars; one submission).

Conditions:
Branchiootic syndrome 1 (BOS1). Also called: BO SYNDROME 1; BRANCHIOOTIC DYSPLASIA. Identifiers: MedGen C1865143, MONDO:0011258, OMIM 602588.

Submission:

Precision Medicine Center, Zhengzhou University
Classification: Likely pathogenic for Branchiootic syndrome 1. Last evaluated: 2023-12-18. Review status: criteria provided, single submitter. Criteria: ACMG Guidelines, 2015. Collection method: research. Allele origin: inherited. Inheritance: Autosomal dominant inheritance. Affected: yes. Observed: 3 variant alleles.
Comment: The EYA1 variant c.639+3A>C has not been reported in the gnomAD database (PM2_Supporting) or in the literature. The variant co-segregates with the phenotype in the family (PP1). The phenotype associated with the EYA1 gene is consistent with the phenotype observed in this family (PP4). Software predicts dbscSNV and SpliceAI predict that this variant may affect splicing (dbscSNV ada score: 1, dbscSNV RF score: 0.98, spliceAI donor loss: 0.83, PP3). minigene assay shows it will cause skipping of exon 8.